The following is an entry in ClinVar:

ClinVar aggregate classification (germline): Uncertain significance (1 of 4 stars; one submission).

Allele frequency attached by ClinVar (database versions not stated): gnomAD exomes 0.00001 and 0.00002; gnomAD 0.00004; TOPMed 0.00007.
gnomAD v4.1: 22 of 1,604,052 alleles (0.0014%); highest among the groups gnomAD compares: Admixed American, 0.015%; no homozygotes.

Submission:

Labcorp Genetics (formerly Invitae), Labcorp
Classification: Uncertain significance. Last evaluated: 2022-10-25. Review status: criteria provided, single submitter. Criteria: Invitae Variant Classification Sherloc (09022015). Collection method: clinical testing. Allele origin: germline.
Comment: This sequence change replaces leucine, which is neutral and non-polar, with phenylalanine, which is neutral and non-polar, at codon 94 of the PNPLA8 protein (p.Leu94Phe). This variant is present in population databases (no rsID available, gnomAD 0.003%). This variant has not been reported in the literature in individuals affected with PNPLA8-related conditions. ClinVar contains an entry for this variant (Variation ID: 1521639). Algorithms developed to predict the effect of missense changes on protein structure and function are either unavailable or do not agree on the potential impact of this missense change (SIFT: "Tolerated"; PolyPhen-2: "Probably Damaging"; Align-GVGD: "Class C0"). In summary, the available evidence is currently insufficient to determine the role of this variant in disease. Therefore, it has been classified as a Variant of Uncertain Significance.

NM_001256007.3(PNPLA8):c.280C>T (p.Leu94Phe)

Gene: PNPLA8 (patatin like domain 8, phospholipase A2; minus strand). Cytogenetic location: 7q31.1.
Variant type: single nucleotide variant.
Coding change: c.280C>T on transcript NM_001256007.3 (MANE Select); coding-DNA position 280, C replaced by T.
Protein change: p.Leu94Phe; replaces leucine 94 with phenylalanine.
Molecular consequence: missense variant. On other transcripts: 5 prime UTR variant (2).
Genome position (GRCh38, 1-based): chr7:108,515,212, G>A on the plus strand (C>T on the coding strand, the complement: PNPLA8 is on the minus strand). VCF-style: chr7-108515212-G-A. GRCh37 (hg19) VCF-style: chr7-108155656-G-A.
Other names: c.280C>T, p.Leu94Phe (NM_001256008.3, NM_001256009.3, NM_015723.5); c.-21C>T (NM_001256010.3, NM_001256011.3); short protein forms L94F.
Identifiers: ClinVar variation 1521639 (VCV001521639.3), dbSNP rs1408370599, ClinGen allele CA368899196.